The following is an entry in ClinVar:

ClinVar aggregate classification (germline): Benign/Likely benign. Review status: criteria provided, multiple submitters, no conflicts (2 of 4 stars). 4 submissions from 4 submitters: Benign (1); Likely benign (3). Last evaluated 2025-09-13.

Conditions:
Primary familial hypertrophic cardiomyopathy (HCM). Identifiers: Orphanet 99739, MedGen C0949658, MeSH D024741, MONDO:0024573. Inheritance: Various modes of inheritance.
Dilated cardiomyopathy 1AA (CMD1AA). Also called: Cardiomyopathy, dilated, 1AA, with or without LVNC; CARDIOMYOPATHY, DILATED, 1AA, WITH OR WITHOUT LEFT VENTRICULAR NONCOMPACTION; CARDIOMYOPATHY, FAMILIAL HYPERTROPHIC, 23, WITH OR WITHOUT LEFT VENTRICULAR NONCOMPACTION. Identifiers: Orphanet 154, MedGen C2677338, MONDO:0012808, OMIM 612158.
Cardiovascular phenotype. Identifiers: MedGen CN230736.

Allele frequency attached by ClinVar (database versions not stated): gnomAD exomes below 0.00001 and 0.00001; gnomAD 0.00001; TOPMed 0.00002.
gnomAD v4.1: 19 of 1,613,834 alleles (0.0012%); highest among the groups gnomAD compares: East Asian, 0.0089%; no homozygotes.

Submissions (4):

Labcorp Genetics (formerly Invitae), Labcorp
Classification: Likely benign for Primary familial hypertrophic cardiomyopathy; Dilated cardiomyopathy 1AA. Last evaluated: 2025-09-13. Review status: criteria provided, single submitter. Criteria: Invitae Variant Classification Sherloc (09022015). Collection method: clinical testing. Allele origin: germline.

Ambry Genetics
Classification: Likely benign for Cardiovascular phenotype. Last evaluated: 2023-01-16. Review status: criteria provided, single submitter. Criteria: Ambry Variant Classification Scheme 2023. Collection method: clinical testing. Allele origin: germline.

Laboratory for Molecular Medicine, Mass General Brigham Personalized Medicine
Classification: Likely benign. Last evaluated: 2019-05-02. Review status: criteria provided, single submitter. Criteria: LMM Criteria. Collection method: clinical testing. Allele origin: germline. Observed: 1 variant allele.
Comment: The p.His474His variant in ACTN2 is classified as likely benign because it does not alter an amino acid residue, it is not located within the splice consensus sequence, and splice prediction algorithms do not predict a newly created splice site. ACMG/AMP Criteria applied: BP4, BP7.

GeneDx
Classification: Benign. Last evaluated: 2015-05-08. Review status: criteria provided, single submitter. Criteria: GeneDx Variant Classification Process June 2021. Collection method: clinical testing. Allele origin: germline. Affected: yes.

NM_001103.4(ACTN2):c.1422C>T (p.His474=)

Gene: ACTN2 (actinin alpha 2; plus strand). Cytogenetic location: 1q43.
Variant type: single nucleotide variant.
Coding change: c.1422C>T on transcript NM_001103.4 (MANE Select); coding-DNA position 1422, C replaced by T.
Protein change: p.His474=; no amino-acid change (histidine 474 retained).
Molecular consequence: synonymous variant.
Genome position (GRCh38, 1-based): chr1:236,747,682, C>T. VCF-style: chr1-236747682-C-T. GRCh37 (hg19) VCF-style: chr1-236910982-C-T.
Other names: c.1422C>T, p.His474= (NM_001278343.2); c.798C>T, p.His266= (NM_001278344.2).
Identifiers: ClinVar variation 929869 (VCV000929869.16), dbSNP rs1282303942, ClinGen allele CA423809494.